The following is an entry in ClinVar:

NM_024529.5(CDC73):c.979G>A (p.Ala327Thr)

Gene: CDC73 (cell division cycle 73; plus strand). Cytogenetic location: 1q31.2.
Variant type: single nucleotide variant.
Coding change: c.979G>A on transcript NM_024529.5 (MANE Select); coding-DNA position 979, G replaced by A.
Protein change: p.Ala327Thr; replaces alanine 327 with threonine.
Molecular consequence: missense variant.
Genome position (GRCh38, 1-based): chr1:193,203,801, G>A. VCF-style: chr1-193203801-G-A. GRCh37 (hg19) VCF-style: chr1-193172931-G-A.
Other names: short protein forms A327T.
Identifiers: ClinVar variation 1768230 (VCV001768230.4), dbSNP rs2103178028, ClinGen allele CA344076089.

ClinVar aggregate classification (germline): Uncertain significance. Review status: criteria provided, multiple submitters, no conflicts (2 of 4 stars). 2 submissions from 2 submitters: Uncertain significance (2). Last evaluated 2024-09-23.

Conditions:
Hereditary cancer-predisposing syndrome. Also called: Hereditary Cancer Syndrome; Hereditary neoplastic syndrome; Neoplastic Syndromes, Hereditary; Tumor predisposition. Identifiers: Orphanet 140162, MedGen C0027672, MeSH D009386, MONDO:0015356.
Parathyroid carcinoma (PRTC). Also called: CDC73-Related Parathyroid Carcinoma; Parathyroid gland carcinoma. Identifiers: Orphanet 143, MedGen C0687150, MONDO:0012004, OMIM 608266, HP:0006780.

Allele frequency attached by ClinVar (database versions not stated): gnomAD exomes below 0.00001.
gnomAD v4.1: 1 of 1,611,162 alleles (0.000062%); highest among the groups gnomAD compares: Non-Finnish European, 0.000085%; no homozygotes.

Submissions (2):

Labcorp Genetics (formerly Invitae), Labcorp
Classification: Uncertain significance for Parathyroid carcinoma. Last evaluated: 2024-09-23. Review status: criteria provided, single submitter. Criteria: Invitae Variant Classification Sherloc (09022015). Collection method: clinical testing. Allele origin: germline.
Comment: This sequence change replaces alanine, which is neutral and non-polar, with threonine, which is neutral and polar, at codon 327 of the CDC73 protein (p.Ala327Thr). This variant is not present in population databases (gnomAD no frequency). This variant has not been reported in the literature in individuals affected with CDC73-related conditions. ClinVar contains an entry for this variant (Variation ID: 1768230). Invitae Evidence Modeling of protein sequence and biophysical properties (such as structural, functional, and spatial information, amino acid conservation, physicochemical variation, residue mobility, and thermodynamic stability) indicates that this missense variant is not expected to disrupt CDC73 protein function with a negative predictive value of 80%. In summary, the available evidence is currently insufficient to determine the role of this variant in disease. Therefore, it has been classified as a Variant of Uncertain Significance.

Ambry Genetics
Classification: Uncertain significance for Hereditary cancer-predisposing syndrome. Last evaluated: 2022-02-21. Review status: criteria provided, single submitter. Criteria: Ambry Variant Classification Scheme 2023. Collection method: clinical testing. Allele origin: germline.
Comment: The p.A327T variant (also known as c.979G>A), located in coding exon 11 of the CDC73 gene, results from a G to A substitution at nucleotide position 979. The alanine at codon 327 is replaced by threonine, an amino acid with similar properties. This amino acid position is conserved. In addition, the in silico prediction for this alteration is inconclusive. Since supporting evidence is limited at this time, the clinical significance of this alteration remains unclear.